The following is an entry in ClinVar:

ClinVar aggregate classification (germline): Benign. Review status: criteria provided, multiple submitters, no conflicts (2 of 4 stars). 5 submissions from 5 submitters: Benign (5). Last evaluated 2026-02-04.

Conditions:
Autosomal recessive nonsyndromic hearing loss 28. Identifiers: Orphanet 90636, MedGen C1853276, MONDO:0012355, OMIM 609823.

Allele frequency attached by ClinVar (database versions not stated): 1000 Genomes Project 30x 0.33182; 1000 Genomes Project 0.33626; ESP Exome Variant Server 0.34641; TOPMed 0.34914; gnomAD 0.35396 and 0.35711; ExAC 0.39248; gnomAD exomes 0.39473 and 0.43178.

Submissions (5):

Labcorp Genetics (formerly Invitae), Labcorp
Classification: Benign. Last evaluated: 2026-02-04. Review status: criteria provided, single submitter. Criteria: Invitae Variant Classification Sherloc (09022015). Collection method: clinical testing. Allele origin: germline.

Genome-Nilou Lab
Classification: Benign for Autosomal recessive nonsyndromic hearing loss 28. Last evaluated: 2021-09-10. Review status: criteria provided, single submitter. Criteria: ACMG Guidelines, 2015. Collection method: clinical testing. Allele origin: germline. Affected: no.

Mayo Clinic Laboratories, Mayo Clinic
Classification: Benign. Last evaluated: 2020-07-02. Review status: criteria provided, single submitter. Criteria: ACMG Guidelines, 2015. Collection method: clinical testing. Allele origin: germline. Observed: 101 variant alleles.

GeneDx
Classification: Benign. Last evaluated: 2017-05-09. Review status: criteria provided, single submitter. Criteria: GeneDx Variant Classification (06012015). Collection method: clinical testing. Allele origin: germline. Affected: yes.
Comment: This variant is considered likely benign or benign based on one or more of the following criteria: it is a conservative change, it occurs at a poorly conserved position in the protein, it is predicted to be benign by multiple in silico algorithms, and/or has population frequency not consistent with disease.

Breakthrough Genomics
Classification: Benign. Review status: criteria provided, single submitter. Criteria: ACMG Guidelines, 2015. Collection method: not provided. Allele origin: germline. Inheritance: Autosomal recessive inheritance. Affected: yes.

NM_001039141.3(TRIOBP):c.2589C>A (p.Asn863Lys)

Gene: TRIOBP (TRIO and F-actin binding protein; plus strand). Cytogenetic location: 22q13.1.
Variant type: single nucleotide variant.
Coding change: c.2589C>A on transcript NM_001039141.3 (MANE Select); coding-DNA position 2589, C replaced by A.
Protein change: p.Asn863Lys; replaces asparagine 863 with lysine.
Molecular consequence: missense variant.
Genome position (GRCh38, 1-based): chr22:37,725,145, C>A. VCF-style: chr22-37725145-C-A. GRCh37 (hg19) VCF-style: chr22-38121152-C-A.
Other names: p.Asn863Lys; short protein forms N863K.
Identifiers: ClinVar variation 508111 (VCV000508111.14), dbSNP rs9610841, ClinGen allele CA10223917.
Genomic context (GRCh38, chr22:37,725,145, plus strand): 5'-CCTCAGACCCACTTGTACACAGCGGGACCGCACACAGTCCTTTTCCTTTCAACGAGACAA[C>A]CCTGGAACCTCCTCATCTCAATGCTGCACCCAAAAGGAGAATCTGAGACCATCATCTCCC-3'
Protein context (NP_001034230.1, residues 853-873): RTQSFSFQRD[Asn863Lys]PGTSSSQCCT